The following is an entry in ClinVar:

ClinVar aggregate classification (germline): Likely pathogenic (1 of 4 stars; one submission).

Submission:

GeneDx
Classification: Likely pathogenic. Last evaluated: 2017-05-31. Review status: criteria provided, single submitter. Criteria: GeneDx Variant Classification (06012015). Collection method: clinical testing. Allele origin: germline. Affected: yes.
Comment: The G1209V variant has not been published as a pathogenic variant, nor has it been reported as a benign variant to our knowledge. G1209V occurs in the triple helical domain and replaces the Glycine in the canonical Gly-X-Y repeat. Mutations in these Glycines result in poor winding of the collagen triple helix and a less functional protein. The G1209V variant is not observed in large population cohorts (Lek et al., 2016; 1000 Genomes Consortium et al., 2015; Exome Variant Server). The G1209V variant is a conservative amino acid substitution, which is not likely to impact secondary protein structure as these residues share similar properties. This substitution occurs at a position that is conserved across species. In silico analysis predicts this variant is probably damaging to the protein structure/function. Missense variants in nearby Glycine residues (G1197S, G1200C/S) have been reported in the Human Gene Mutation Database in association with skeletal dysplasias (Stenson et al., 2014), supporting the functional importance of this region of the protein. We interpret this as a likely pathogenic variant.

NM_001844.5(COL2A1):c.3626G>T (p.Gly1209Val)

Gene: COL2A1 (collagen type II alpha 1 chain; minus strand). Cytogenetic location: 12q13.11.
Variant type: single nucleotide variant.
Coding change: c.3626G>T on transcript NM_001844.5 (MANE Select); coding-DNA position 3626, G replaced by T.
Protein change: p.Gly1209Val; replaces glycine 1209 with valine.
Molecular consequence: missense variant.
Genome position (GRCh38, 1-based): chr12:47,975,577, C>A on the plus strand (G>T on the coding strand, the complement: COL2A1 is on the minus strand). VCF-style: chr12-47975577-C-A. GRCh37 (hg19) VCF-style: chr12-48369360-C-A.
Other names: c.3419G>T, p.Gly1140Val (NM_033150.3); short protein forms G1209V, G1140V.
Identifiers: ClinVar variation 430556 (VCV000430556.2), dbSNP rs1131692022, ClinGen allele CA384537144.